The following is an entry in ClinVar:

NM_017825.3(ADPRS):c.545_546del (p.His182fs)

Gene: ADPRS (ADP-ribosylserine hydrolase; plus strand). Cytogenetic location: 1p34.3.
Variant type: Microsatellite.
Coding change: c.545_546del on transcript NM_017825.3 (MANE Select); coding-DNA positions 545 to 546, 2 bases deleted (AC; older notation c.545_546delAC).
Protein change: p.His182fs; shifts the reading frame from histidine 182.
Molecular consequence: frameshift variant.
Genome position (GRCh38, 1-based): chr1:36,091,938-36,091,939, AC deleted; deleting any 2 consecutive bases within chr1:36,091,934-36,091,939 gives the same sequence; the c. name uses the placement nearest the transcript's 3' end. VCF-style (leftmost placement, unchanged base first): chr1-36091933-GAC-G. GRCh37 (hg19) VCF-style: chr1-36557534-GAC-G.
Other names: short protein forms H182fs.
Identifiers: ClinVar variation 4854590 (VCV004854590.1).

ClinVar aggregate classification (germline): Pathogenic (1 of 4 stars; one submission).

Conditions:
Neurodegeneration, childhood-onset, stress-induced, with variable ataxia and seizures. Identifiers: Orphanet 694922, MedGen C4748527, MONDO:0100095, OMIM 618170.

Submission:

3billion
Classification: Pathogenic for Neurodegeneration, childhood-onset, stress-induced, with variable ataxia and seizures. Last evaluated: 2025-12-02. Review status: criteria provided, single submitter. Criteria: ACMG Guidelines, 2015. Collection method: clinical testing. Allele origin: germline. Affected: yes.
Comment: The variant is observed at an extremely low frequency in the gnomAD v4.1.0 dataset (total allele frequency: <0.001%). Predicted Consequence/Location: Frameshift: predicted to result in a loss or disruption of normal protein function through nonsense-mediated decay (NMD) or protein truncation. Multiple pathogenic variants are reported downstream of the variant. Therefore, this variant is classified as Pathogenic according to the recommendation of ACMG/AMP guideline.